The following is an entry in ClinVar:

ClinVar aggregate classification (germline): Uncertain significance (1 of 4 stars; one submission).

Conditions:
Inborn genetic diseases. Identifiers: MedGen C0950123, MeSH D030342.

gnomAD v4.1: 7 of 1,614,012 alleles (0.00043%); highest among the groups gnomAD compares: Non-Finnish European, 0.00059%; no homozygotes.

Submission:

Ambry Genetics
Classification: Uncertain significance for Inborn genetic diseases. Last evaluated: 2025-03-24. Review status: criteria provided, single submitter. Criteria: Ambry Variant Classification Scheme 2023. Collection method: clinical testing. Allele origin: germline.
Comment: The p.D736N variant (also known as c.2206G>A), located in coding exon 12 of the BMPR2 gene, results from a G to A substitution at nucleotide position 2206. The aspartic acid at codon 736 is replaced by asparagine, an amino acid with highly similar properties. This amino acid position is conserved. In addition, this alteration is predicted to be tolerated by in silico analysis. Based on the available evidence, the clinical significance of this variant remains unclear.

NM_001204.7(BMPR2):c.2206G>A (p.Asp736Asn)

Gene: BMPR2 (bone morphogenetic protein receptor type 2; plus strand). Cytogenetic location: 2q33.2.
Variant type: single nucleotide variant.
Coding change: c.2206G>A on transcript NM_001204.7 (MANE Select); coding-DNA position 2206, G replaced by A.
Protein change: p.Asp736Asn; replaces aspartic acid 736 with asparagine.
Molecular consequence: missense variant.
Genome position (GRCh38, 1-based): chr2:202,555,871, G>A. VCF-style: chr2-202555871-G-A. GRCh37 (hg19) VCF-style: chr2-203420594-G-A.
Other names: short protein forms D736N.
Identifiers: ClinVar variation 3992059 (VCV003992059.1).